The following is an entry in ClinVar:

ClinVar aggregate classification (germline): Uncertain significance (1 of 4 stars; one submission).

Submission:

Labcorp Genetics (formerly Invitae), Labcorp
Classification: Uncertain significance. Last evaluated: 2026-02-01. Review status: criteria provided, single submitter. Criteria: Invitae Variant Classification Sherloc (09022015). Collection method: clinical testing. Allele origin: germline.
Comment: This sequence change replaces arginine, which is basic and polar, with glycine, which is neutral and non-polar, at codon 386 of the MBTPS1 protein (p.Arg386Gly). This variant is not present in population databases (gnomAD no frequency). This variant has not been reported in the literature in individuals affected with MBTPS1-related conditions. An algorithm developed to predict the effect of missense changes on protein structure and function (PolyPhen-2) suggests that this variant is likely to be disruptive. In summary, the available evidence is currently insufficient to determine the role of this variant in disease. Therefore, it has been classified as a Variant of Uncertain Significance.

NM_003791.4(MBTPS1):c.1156C>G (p.Arg386Gly)

Gene: MBTPS1 (membrane bound transcription factor peptidase, site 1; minus strand). Cytogenetic location: 16q23.3.
Variant type: single nucleotide variant.
Coding change: c.1156C>G on transcript NM_003791.4 (MANE Select); coding-DNA position 1156, C replaced by G.
Protein change: p.Arg386Gly; replaces arginine 386 with glycine.
Molecular consequence: missense variant.
Genome position (GRCh38, 1-based): chr16:84,085,113, G>C on the plus strand (C>G on the coding strand, the complement: MBTPS1 is on the minus strand). VCF-style: chr16-84085113-G-C. GRCh37 (hg19) VCF-style: chr16-84118718-G-C.
Other names: short protein forms R386G.
Identifiers: ClinVar variation 4736270 (VCV004736270.1).